The following is an entry in ClinVar:

ClinVar aggregate classification (germline): Benign/Likely benign. Review status: criteria provided, multiple submitters, no conflicts (2 of 4 stars). 7 submissions from 7 submitters: Benign (2); Likely benign (3). 2 of the submissions do not count toward it. Last evaluated 2026-01-02.

Conditions:
SETD2-related disorder.
Luscan-Lumish syndrome. Identifiers: Orphanet 597738, MedGen C4085873, MONDO:0014791, OMIM 616831.

Allele frequency attached by ClinVar (database versions not stated): gnomAD exomes 0.00083; ExAC 0.00088; gnomAD 0.00088 and 0.00089; 1000 Genomes Project 0.00120; TOPMed 0.00122; ESP Exome Variant Server 0.00124; 1000 Genomes Project 30x 0.00125.
gnomAD v4.1: 1,223 of 1,611,688 alleles (0.076%); highest among the groups gnomAD compares: Middle Eastern, 0.17%; 2 homozygotes.

Submissions (7):

Labcorp Genetics (formerly Invitae), Labcorp
Classification: Likely benign for Luscan-Lumish syndrome. Last evaluated: 2026-01-02. Review status: criteria provided, single submitter. Criteria: Invitae Variant Classification Sherloc (09022015). Collection method: clinical testing. Allele origin: germline.

CeGaT Center for Human Genetics Tuebingen
Classification: Benign. Last evaluated: 2025-10-01. Review status: criteria provided, single submitter. Criteria: CeGaT Center For Human Genetics Tuebingen Variant Classification Criteria Version 2. Collection method: clinical testing. Allele origin: germline. Affected: yes. Observed: 7 variant alleles.
Comment: SETD2: BS1, BS2

Blueprint Genetics
Classification: Likely benign. Last evaluated: 2024-11-19. Review status: criteria provided, single submitter. Criteria: ACMG Guidelines, 2015. Collection method: clinical testing. Allele origin: germline.

Mayo Clinic Laboratories, Mayo Clinic
Classification: Benign. Last evaluated: 2023-07-07. Review status: criteria provided, single submitter. Criteria: ACMG Guidelines, 2015. Collection method: clinical testing. Allele origin: germline. Observed: 4 variant alleles.
Comment: BS1, BS2, BP4

Breakthrough Genomics
Classification: Likely benign. Review status: criteria provided, single submitter. Criteria: ACMG Guidelines, 2015. Collection method: not provided. Allele origin: germline. Inheritance: Autosomal dominant inheritance. Affected: yes.

PreventionGenetics, part of Exact Sciences
Classification: Likely benign for SETD2-related condition. Last evaluated: 2020-06-08. Review status: no assertion criteria provided. Collection method: clinical testing. Allele origin: germline. Not counted in ClinVar's aggregate classification.
Comment: This variant is classified as likely benign based on ACMG/AMP sequence variant interpretation guidelines (Richards et al. 2015 PMID: 25741868, with internal and published modifications).

ITMI
No classification provided. Condition: AllHighlyPenetrant. Last evaluated: 2013-09-19. Review status: no classification provided. Collection method: reference population. Allele origin: germline. Not counted in ClinVar's aggregate classification.
Comment: Please see associated publication for description of ethnicities

Literature cited by the submitters: PubMed 33337535 (cited by Mayo Clinic Laboratories, Mayo Clinic); PubMed 24728327 (cited by ITMI).

NM_014159.7(SETD2):c.1775C>A (p.Thr592Lys)

Gene: SETD2 (SET domain containing 2, histone lysine methyltransferase; minus strand). Cytogenetic location: 3p21.31.
Variant type: single nucleotide variant.
Coding change: c.1775C>A on transcript NM_014159.7 (MANE Select); coding-DNA position 1775, C replaced by A.
Protein change: p.Thr592Lys; replaces threonine 592 with lysine.
Molecular consequence: missense variant. On other transcripts: non-coding transcript variant (1).
Genome position (GRCh38, 1-based): chr3:47,122,861, G>T on the plus strand (C>A on the coding strand, the complement: SETD2 is on the minus strand). VCF-style: chr3-47122861-G-T. GRCh37 (hg19) VCF-style: chr3-47164351-G-T.
Other names: p.Thr592Lys; c.1643C>A, p.Thr548Lys (NM_001349370.3); short protein forms T592K, T548K.
Identifiers: ClinVar variation 135219 (VCV000135219.38), dbSNP rs115569620, ClinGen allele CA162050.